The following is an entry in ClinVar:

NM_080473.5(GATA5):c.478G>A (p.Asp160Asn)

Gene: GATA5 (GATA binding protein 5; minus strand). Cytogenetic location: 20q13.33.
Variant type: single nucleotide variant.
Coding change: c.478G>A on transcript NM_080473.5 (MANE Select); coding-DNA position 478, G replaced by A.
Protein change: p.Asp160Asn; replaces aspartic acid 160 with asparagine.
Molecular consequence: missense variant.
Genome position (GRCh38, 1-based): chr20:62,475,044, C>T on the plus strand (G>A on the coding strand, the complement: GATA5 is on the minus strand). VCF-style: chr20-62475044-C-T. GRCh37 (hg19) VCF-style: chr20-61050100-C-T.
Other names: short protein forms D160N.
Identifiers: ClinVar variation 3674587 (VCV003674587.2).

ClinVar aggregate classification (germline): Uncertain significance (1 of 4 stars; one submission).

gnomAD v4.1: 2 of 1,405,038 alleles (0.00014%); highest among the groups gnomAD compares: Admixed American, 0.0031%; no homozygotes.

Submission:

Labcorp Genetics (formerly Invitae), Labcorp
Classification: Uncertain significance. Last evaluated: 2024-03-16. Review status: criteria provided, single submitter. Criteria: Invitae Variant Classification Sherloc (09022015). Collection method: clinical testing. Allele origin: germline.
Comment: This sequence change replaces aspartic acid, which is acidic and polar, with asparagine, which is neutral and polar, at codon 160 of the GATA5 protein (p.Asp160Asn). This variant is not present in population databases (gnomAD no frequency). This variant has not been reported in the literature in individuals affected with GATA5-related conditions. Advanced modeling of protein sequence and biophysical properties (such as structural, functional, and spatial information, amino acid conservation, physicochemical variation, residue mobility, and thermodynamic stability) performed at Invitae indicates that this missense variant is not expected to disrupt GATA5 protein function with a negative predictive value of 80%. In summary, the available evidence is currently insufficient to determine the role of this variant in disease. Therefore, it has been classified as a Variant of Uncertain Significance.